The following is an entry in ClinVar:

ClinVar aggregate classification (germline): Uncertain significance (1 of 4 stars; one submission).

Conditions:
Bloom syndrome (BLM). Also called: Bloom-Torre-Machacek syndrome. Identifiers: Orphanet 125, MedGen C0005859, MONDO:0008876, OMIM 210900.

Submission:

Labcorp Genetics (formerly Invitae), Labcorp
Classification: Uncertain significance for Bloom syndrome. Last evaluated: 2025-01-01. Review status: criteria provided, single submitter. Criteria: Invitae Variant Classification Sherloc (09022015). Collection method: clinical testing. Allele origin: germline.
Comment: This sequence change replaces serine, which is neutral and polar, with tyrosine, which is neutral and polar, at codon 499 of the BLM protein (p.Ser499Tyr). This variant is not present in population databases (gnomAD no frequency). This variant has not been reported in the literature in individuals affected with BLM-related conditions. Invitae Evidence Modeling of protein sequence and biophysical properties (such as structural, functional, and spatial information, amino acid conservation, physicochemical variation, residue mobility, and thermodynamic stability) indicates that this missense variant is not expected to disrupt BLM protein function with a negative predictive value of 80%. In summary, the available evidence is currently insufficient to determine the role of this variant in disease. Therefore, it has been classified as a Variant of Uncertain Significance.

NM_000057.4(BLM):c.1496C>A (p.Ser499Tyr)

Gene: BLM (BLM RecQ like helicase; plus strand). Cytogenetic location: 15q26.1.
Variant type: single nucleotide variant.
Coding change: c.1496C>A on transcript NM_000057.4 (MANE Select); coding-DNA position 1496, C replaced by A.
Protein change: p.Ser499Tyr; replaces serine 499 with tyrosine.
Molecular consequence: missense variant.
Genome position (GRCh38, 1-based): chr15:90,760,869, C>A. VCF-style: chr15-90760869-C-A. GRCh37 (hg19) VCF-style: chr15-91304099-C-A.
Other names: c.1496C>A, p.Ser499Tyr (NM_001287246.2, NM_001287247.2); c.371C>A, p.Ser124Tyr (NM_001287248.2); short protein forms S124Y, S499Y.
Identifiers: ClinVar variation 3715612 (VCV003715612.2).